The following is an entry in ClinVar:

ClinVar aggregate classification (germline): Benign (1 of 4 stars; one submission).

Allele frequency attached by ClinVar (database versions not stated): gnomAD 0.33044 and 0.33748; TOPMed 0.33165; 1000 Genomes Project 30x 0.33526; 1000 Genomes Project 0.33866; gnomAD exomes 0.39217.
gnomAD v4.1: 255,712 of 673,784 alleles (38%); highest among the groups gnomAD compares: South Asian, 44%; 50,059 homozygotes.

Submission:

GeneDx
Classification: Benign. Last evaluated: 2018-06-19. Review status: criteria provided, single submitter. Criteria: GeneDx Variant Classification (06012015). Collection method: clinical testing. Allele origin: germline. Affected: yes.
Comment: This variant is considered likely benign or benign based on one or more of the following criteria: it is a conservative change, it occurs at a poorly conserved position in the protein, it is predicted to be benign by multiple in silico algorithms, and/or has population frequency not consistent with disease.

NM_014845.6(FIG4):c.447-119T>G

Gene: FIG4 (FIG4 phosphoinositide 5-phosphatase; plus strand). Cytogenetic location: 6q21.
Variant type: single nucleotide variant.
Coding change: c.447-119T>G on transcript NM_014845.6 (MANE Select); 119 bases into the intron before coding-DNA position 447, T replaced by G.
Molecular consequence: intron variant.
Genome position (GRCh38, 1-based): chr6:109,732,518, T>G. VCF-style: chr6-109732518-T-G. GRCh37 (hg19) VCF-style: chr6-110053721-T-G.
Identifiers: ClinVar variation 673441 (VCV000673441.1), dbSNP rs11153215, ClinGen allele CA145130756.